The following is an entry in ClinVar:

ClinVar aggregate classification (germline): Uncertain significance. Review status: criteria provided, multiple submitters, no conflicts (2 of 4 stars). 2 submissions from 2 submitters: Uncertain significance (2). Last evaluated 2025-05-05.

Conditions:
Glucocorticoid-remediable aldosteronism. Also called: ACTH-DEPENDENT HYPERALDOSTERONISM SYNDROME; ALDOSTERONISM, SENSITIVE TO DEXAMETHASONE; FH I; GLUCOCORTICOID-SUPPRESSIBLE HYPERALDOSTERONISM; Hyperaldosteronism, familial, type I. Identifiers: Orphanet 403, MedGen C3838731, MONDO:0007080, OMIM 103900.
Deficiency of steroid 11-beta-monooxygenase (CYP11B1). Also called: ADRENAL HYPERPLASIA, CONGENITAL, DUE TO STEROID 11-BETA-HYDROXYLASE DEFICIENCY; 11-BETA-HYDROXYLASE DEFICIENCY; P450C11B1 DEFICIENCY; STEROID 11-BETA-HYDROXYLASE DEFICIENCY; Congenital adrenal hyperplasia due to 11-beta-hydroxylase deficiency; ADRENAL HYPERPLASIA IV. Identifiers: Orphanet 90795, MedGen C0268292, MONDO:0008729, OMIM 202010. Disease mechanism: loss of function.

gnomAD v4.1: 24 of 1,614,026 alleles (0.0015%); highest among the groups gnomAD compares: Non-Finnish European, 0.0019%; no homozygotes.

Submissions (2):

Mayo Clinic Laboratories, Mayo Clinic
Classification: Uncertain significance. Last evaluated: 2025-05-05. Review status: criteria provided, single submitter. Criteria: ACMG Guidelines, 2015. Collection method: clinical testing. Allele origin: germline. Observed: 2 variant alleles.
Comment: BP4_moderate, PM2_supporting

Fulgent Genetics
Classification: Uncertain significance for Glucocorticoid-remediable aldosteronism; Deficiency of steroid 11-beta-monooxygenase. Last evaluated: 2024-05-17. Review status: criteria provided, single submitter. Criteria: ACMG Guidelines, 2015. Collection method: clinical testing. Allele origin: germline.

NM_000497.4(CYP11B1):c.674A>G (p.His225Arg)

Genes: CYP11B1 (cytochrome P450 family 11 subfamily B member 1; minus strand), LOC106799833 (CYP11B1 recombination region; plus strand). Cytogenetic location: 8q24.3.
Variant type: single nucleotide variant.
Coding change: c.674A>G on transcript NM_000497.4 (MANE Select); coding-DNA position 674, A replaced by G.
Protein change: p.His225Arg; replaces histidine 225 with arginine.
Molecular consequence: missense variant.
Genome position (GRCh38, 1-based): chr8:142,876,807, T>C on the plus strand (A>G on the coding strand, the complement: CYP11B1 is on the minus strand). VCF-style: chr8-142876807-T-C. GRCh37 (hg19) VCF-style: chr8-143958223-T-C.
Other names: p.His225Arg; c.674A>G (NM_000497.3); c.674A>G, p.His225Arg (NM_001026213.1); short protein forms H225R.
Identifiers: ClinVar variation 3595327 (VCV003595327.2).
Genomic context (GRCh38, chr8:142,876,807, plus strand): 5'-GACAGGCTCCTGGGCATGAACATGAGCTGGACGGTGGATTTGAACATGACCTCCAGGGCA[T>C]GGAGGAAGTTCAGGCTGGCAGAACTGGGGCTGTGGCCAACCAGGCCCAGCCGCTCTCCAA-3'
Protein context (NP_000488.3, residues 215-235): SPSSASLNFL[His225Arg]ALEVMFKSTV